The following is an entry in ClinVar:

ClinVar aggregate classification (germline): Uncertain significance (1 of 4 stars; one submission).

Conditions:
Hereditary cancer-predisposing syndrome. Also called: Neoplastic Syndromes, Hereditary; Hereditary Cancer Syndrome; Hereditary neoplastic syndrome; Tumor predisposition. Identifiers: Orphanet 140162, MedGen C0027672, MeSH D009386, MONDO:0015356.

Submission:

Ambry Genetics
Classification: Uncertain significance for Hereditary cancer-predisposing syndrome. Last evaluated: 2022-01-18. Review status: criteria provided, single submitter. Criteria: Ambry Variant Classification Scheme 2023. Collection method: clinical testing. Allele origin: germline.
Comment: The p.L2587H variant (also known as c.7760T>A), located in coding exon 15 of the BRCA2 gene, results from a T to A substitution at nucleotide position 7760. The leucine at codon 2587 is replaced by histidine, an amino acid with similar properties. This alteration was non-functional in a homology directed DNA repair assay (Ambry internal data). This amino acid position is highly conserved in available vertebrate species. In addition, this alteration is predicted to be deleterious by in silico analysis. Since supporting evidence is limited at this time, the clinical significance of this alteration remains unclear.

NM_000059.4(BRCA2):c.7760T>A (p.Leu2587His)

Gene: BRCA2 (BRCA2 DNA repair associated; plus strand). Cytogenetic location: 13q13.1.
Variant type: single nucleotide variant.
Coding change: c.7760T>A on transcript NM_000059.4 (MANE Select); coding-DNA position 7760, T replaced by A.
Protein change: p.Leu2587His; replaces leucine 2587 with histidine.
Molecular consequence: missense variant.
Genome position (GRCh38, 1-based): chr13:32,357,884, T>A. VCF-style: chr13-32357884-T-A. GRCh37 (hg19) VCF-style: chr13-32932021-T-A.
Other names: short protein forms L2587H.
Identifiers: ClinVar variation 479329 (VCV000479329.5), dbSNP rs1555286445, ClinGen allele CA387745851.